The following is an entry in ClinVar:

ClinVar aggregate classification (germline): Likely benign. Review status: criteria provided, multiple submitters, no conflicts (2 of 4 stars). 3 submissions from 3 submitters: Likely benign (3). Last evaluated 2026-05-24.

Conditions:
RP1L1-related disorder. Also called: RP1L1-related condition.

Allele frequency attached by ClinVar (database versions not stated): gnomAD 0.00001; gnomAD exomes 0.00002 and 0.00003; ExAC 0.00003; TOPMed 0.00003.
gnomAD v4.1: 34 of 1,614,052 alleles (0.0021%); highest among the groups gnomAD compares: Non-Finnish European, 0.0026%; no homozygotes.

Submissions (3):

PreventionGenetics, part of Exact Sciences
Classification: Likely benign for RP1L1-related condition. Last evaluated: 2026-05-24. Review status: criteria provided, single submitter. Criteria: ACMG Guidelines, 2015. Collection method: clinical testing. Allele origin: germline.
Comment: This variant is classified as likely benign based on ACMG/AMP sequence variant interpretation guidelines (Richards et al. 2015 PMID: 25741868, with internal and published modifications).

Labcorp Genetics (formerly Invitae), Labcorp
Classification: Likely benign. Last evaluated: 2026-01-18. Review status: criteria provided, single submitter. Criteria: Invitae Variant Classification Sherloc (09022015). Collection method: clinical testing. Allele origin: germline.

Blueprint Genetics
Classification: Likely benign. Last evaluated: 2022-06-03. Review status: criteria provided, single submitter. Criteria: ACMG Guidelines, 2015. Collection method: clinical testing. Allele origin: germline.

NM_178857.6(RP1L1):c.522T>C (p.Asn174=)

Gene: RP1L1 (RP1 like 1). Cytogenetic location: 8p23.1.
Variant type: single nucleotide variant.
Coding change: c.522T>C on transcript NM_178857.6 (MANE Select); coding-DNA position 522, T replaced by C.
Protein change: p.Asn174=; no amino-acid change (asparagine 174 retained).
Molecular consequence: synonymous variant.
Genome position (GRCh38, 1-based): chr8:10,622,680, A>G on the plus strand (T>C on the coding strand, the complement: RP1L1 is on the minus strand). VCF-style: chr8-10622680-A-G. GRCh37 (hg19) VCF-style: chr8-10480190-A-G.
Other names: c.522T>C (NM_178857.5).
Identifiers: ClinVar variation 1580961 (VCV001580961.10), dbSNP rs201260689, ClinGen allele CA4625660.
Genomic context (GRCh38, chr8:10,622,680, plus strand): 5'-CTTCACAGGAAAGCGCAGGAGATCTGAGGCTTTGCCGAGAAAGGCGGCCAGGTTCCTAGT[A>G]TTCCTGTGACTGAGAACCACTGTCTGCTGGAGGCGAGGGTCCATGTTCTTAATCAGCAGT-3'
Protein context (NP_849188.4, residues 164-184): LQQTVVLSHR[Asn174=]TRNLAAFLGK